The following is an entry in ClinVar:

ClinVar aggregate classification (germline): Uncertain significance. Review status: criteria provided, multiple submitters, no conflicts (2 of 4 stars). 2 submissions from 2 submitters: Uncertain significance (2). Last evaluated 2025-05-05.

Conditions:
Cardiovascular phenotype. Identifiers: MedGen CN230736.

Submissions (2):

Ambry Genetics
Classification: Uncertain significance for Cardiovascular phenotype. Last evaluated: 2025-05-05. Review status: criteria provided, single submitter. Criteria: Ambry Variant Classification Scheme 2023. Collection method: clinical testing. Allele origin: germline.
Comment: The p.D241G variant (also known as c.722A>G), located in coding exon 7 of the SPRED1 gene, results from an A to G substitution at nucleotide position 722. The aspartic acid at codon 241 is replaced by glycine, an amino acid with similar properties. This amino acid position is conserved. In addition, this alteration is predicted to be deleterious by in silico analysis. Based on the available evidence, the clinical significance of this variant remains unclear.

GeneDx
Classification: Uncertain significance. Last evaluated: 2019-07-26. Review status: criteria provided, single submitter. Criteria: GeneDx Variant Classification Process June 2021. Collection method: clinical testing. Allele origin: germline. Affected: yes.
Comment: Not observed in large population cohorts (Lek et al., 2016); In silico analysis, which includes protein predictors and evolutionary conservation, supports a deleterious effect; Has not been previously published as pathogenic or benign to our knowledge

NM_152594.3(SPRED1):c.722A>G (p.Asp241Gly)

Gene: SPRED1 (sprouty related EVH1 domain containing 1; plus strand). Cytogenetic location: 15q14.
Variant type: single nucleotide variant.
Coding change: c.722A>G on transcript NM_152594.3 (MANE Select); coding-DNA position 722, A replaced by G.
Protein change: p.Asp241Gly; replaces aspartic acid 241 with glycine.
Molecular consequence: missense variant.
Genome position (GRCh38, 1-based): chr15:38,351,051, A>G. VCF-style: chr15-38351051-A-G. GRCh37 (hg19) VCF-style: chr15-38643252-A-G.
Other names: short protein forms D241G.
Identifiers: ClinVar variation 1306462 (VCV001306462.3), dbSNP rs2141016047, ClinGen allele CA391933091.